The following is an entry in ClinVar:

ClinVar aggregate classification (germline): Uncertain significance (1 of 4 stars; one submission).

Submission:

Labcorp Genetics (formerly Invitae), Labcorp
Classification: Uncertain significance. Last evaluated: 2025-12-03. Review status: criteria provided, single submitter. Criteria: Invitae Variant Classification Sherloc (09022015). Collection method: clinical testing. Allele origin: germline.
Comment: This sequence change replaces histidine, which is basic and polar, with arginine, which is basic and polar, at codon 129 of the TNFRSF6B protein (p.His129Arg). The frequency data for this variant in the population databases is considered unreliable, as metrics indicate poor data quality at this position in the gnomAD database. This variant has not been reported in the literature in individuals affected with TNFRSF6B-related conditions. ClinVar contains an entry for this variant (Variation ID: 3617798). An algorithm developed to predict the effect of missense changes on protein structure and function (PolyPhen-2) suggests that this variant is likely to be tolerated. In summary, the available evidence is currently insufficient to determine the role of this variant in disease. Therefore, it has been classified as a Variant of Uncertain Significance.

NM_003823.4(TNFRSF6B):c.386A>G (p.His129Arg)

Genes: RTEL1-TNFRSF6B (RTEL1-TNFRSF6B readthrough (NMD candidate); plus strand), TNFRSF6B (TNF receptor superfamily member 6b; plus strand). Cytogenetic location: 20q13.33.
Variant type: single nucleotide variant.
Coding change: c.386A>G on transcript NM_003823.4 (MANE Select); coding-DNA position 386, A replaced by G.
Protein change: p.His129Arg; replaces histidine 129 with arginine.
Molecular consequence: missense variant. On other transcripts: non-coding transcript variant (1).
Genome position (GRCh38, 1-based): chr20:63,697,153, A>G. VCF-style: chr20-63697153-A-G. GRCh37 (hg19) VCF-style: chr20-62328506-A-G.
Other names: short protein forms H129R.
Identifiers: ClinVar variation 3617798 (VCV003617798.2).